The following is an entry in ClinVar:

NM_001375834.1(WIPF1):c.271A>C (p.Ser91Arg)

Genes: WIPF1 (WAS/WASL interacting protein family member 1; minus strand), WIPF1-AS1 (WIPF1 and CHRNA1 antisense RNA 1; plus strand). Cytogenetic location: 2q31.1.
Variant type: single nucleotide variant.
Coding change: c.271A>C on transcript NM_001375834.1 (MANE Select); coding-DNA position 271, A replaced by C.
Protein change: p.Ser91Arg; replaces serine 91 with arginine.
Molecular consequence: missense variant. On other transcripts: intron variant (1).
Genome position (GRCh38, 1-based): chr2:174,575,291, T>G on the plus strand (A>C on the coding strand, the complement: WIPF1 is on the minus strand). VCF-style: chr2-174575291-T-G. GRCh37 (hg19) VCF-style: chr2-175440019-T-G.
Other names: c.271A>C, p.Ser91Arg (NM_001077269.1, NM_001375832.1, NM_001375833.1 and 5 more transcripts); c.182-3046A>C (NM_001375839.1); short protein forms S91R.
Identifiers: ClinVar variation 2959345 (VCV002959345.3), dbSNP rs149122849, ClinGen allele CA1974181.

ClinVar aggregate classification (germline): Uncertain significance (1 of 4 stars; one submission).

Conditions:
Wiskott-Aldrich syndrome 2 (WAS2). Also called: WIPF1 DEFICIENCY. Identifiers: Orphanet 906, MedGen C3281001, MONDO:0013779, OMIM 614493.

Allele frequency attached by ClinVar (database versions not stated): ExAC 0.00002; gnomAD 0.00003; TOPMed 0.00004; ESP Exome Variant Server 0.00015.
gnomAD v4.1: 12 of 1,613,616 alleles (0.00074%); highest among the groups gnomAD compares: Admixed American, 0.0017%; no homozygotes.

Submission:

Labcorp Genetics (formerly Invitae), Labcorp
Classification: Uncertain significance for Wiskott-Aldrich syndrome 2. Last evaluated: 2024-01-09. Review status: criteria provided, single submitter. Criteria: Invitae Variant Classification Sherloc (09022015). Collection method: clinical testing. Allele origin: germline.
Comment: This sequence change replaces serine, which is neutral and polar, with arginine, which is basic and polar, at codon 91 of the WIPF1 protein (p.Ser91Arg). This variant is present in population databases (rs149122849, gnomAD 0.002%). This variant has not been reported in the literature in individuals affected with WIPF1-related conditions. An algorithm developed to predict the effect of missense changes on protein structure and function (PolyPhen-2) suggests that this variant is likely to be tolerated. In summary, the available evidence is currently insufficient to determine the role of this variant in disease. Therefore, it has been classified as a Variant of Uncertain Significance.